The following is an entry in ClinVar:

ClinVar aggregate classification (germline): Uncertain significance. Review status: criteria provided, multiple submitters, no conflicts (2 of 4 stars). 2 submissions from 2 submitters: Uncertain significance (2). Last evaluated 2024-10-29.

Conditions:
Cardiomyopathy (CMYO). Also called: Cardiomyopathies. Identifiers: Orphanet 167848, MedGen C0878544, MONDO:0004994, HP:0001638. Inheritance: Various modes of inheritance.
Catecholaminergic polymorphic ventricular tachycardia (CVPT). Also called: Catecholamine-induced polymorphic ventricular tachycardia. Identifiers: Orphanet 3286, MedGen C5574922, MONDO:0017990.

Allele frequency attached by ClinVar (database versions not stated): gnomAD exomes below 0.00001; ExAC 0.00001.
gnomAD v4.1: 2 of 1,603,062 alleles (0.00012%); highest among the groups gnomAD compares: South Asian, 0.0022%; no homozygotes.

Submissions (2):

Color Diagnostics, LLC DBA Color Health
Classification: Uncertain significance for Cardiomyopathy. Last evaluated: 2024-10-29. Review status: criteria provided, single submitter. Criteria: ACMG Guidelines, 2015. Collection method: clinical testing. Allele origin: germline.
Comment: This variant causes an A to G nucleotide substitution at the +4 position of intron 31 of the RYR2 gene. To our knowledge, functional studies have not been reported for this variant. This variant has not been reported in individuals affected with RYR2-related disorders in the literature. This variant has been identified in 1/240730 chromosomes in the general population by the Genome Aggregation Database (gnomAD). The available evidence is insufficient to determine the role of this variant in disease conclusively. Therefore, this variant is classified as a Variant of Uncertain Significance.

All of Us Research Program, National Institutes of Health
Classification: Uncertain significance for Catecholaminergic polymorphic ventricular tachycardia. Last evaluated: 2023-10-06. Review status: criteria provided, single submitter. Criteria: ACMG Guidelines, 2015. Collection method: clinical testing. Allele origin: germline. Inheritance: Autosomal dominant inheritance. Observed: 1 variant allele, 1 heterozygote.
Comment: This variant causes an A to G nucleotide substitution at the +4 position of intron 31 of the RYR2 gene. To our knowledge, functional studies have not been reported for this variant. This variant has not been reported in individuals affected with RYR2-related disorders in the literature. This variant has been identified in 1/240730 chromosomes in the general population by the Genome Aggregation Database (gnomAD). The available evidence is insufficient to determine the role of this variant in disease conclusively. Therefore, this variant is classified as a Variant of Uncertain Significance.

This study involves interpretation of variants in research participants for the purpose of population health screening. Participant phenotype was not available at the time of variant classification. Additional details can be found in publication PMID: 35346344, PMCID: PMC8962531

NM_001035.3(RYR2):c.4160+4A>G

Genes: RYR2 (ryanodine receptor 2; plus strand), LOC126806067 (BRD4-independent group 4 enhancer GRCh37_chr1:237753258-237754457; plus strand). Cytogenetic location: 1q43.
Variant type: single nucleotide variant.
Coding change: c.4160+4A>G on transcript NM_001035.3 (MANE Select); 4 bases into the intron after coding-DNA position 4160, A replaced by G.
Molecular consequence: intron variant.
Genome position (GRCh38, 1-based): chr1:237,590,996, A>G. VCF-style: chr1-237590996-A-G. GRCh37 (hg19) VCF-style: chr1-237754296-A-G.
Identifiers: ClinVar variation 3073804 (VCV003073804.2), dbSNP rs759979308, ClinGen allele CA086548.